The following is an entry in ClinVar:

NM_000051.4(ATM):c.4923del (p.Asp1641fs)

Gene: ATM (ATM serine/threonine kinase; plus strand). Cytogenetic location: 11q22.3.
Variant type: Deletion.
Coding change: c.4923del on transcript NM_000051.4 (MANE Select); coding-DNA position 4923, one base deleted (T; older notation c.4923delT).
Protein change: p.Asp1641fs; shifts the reading frame from aspartic acid 1641.
Molecular consequence: frameshift variant.
Genome position (GRCh38, 1-based): chr11:108,297,300, T deleted. VCF-style (leftmost placement, unchanged base first): chr11-108297299-AT-A. GRCh37 (hg19) VCF-style: chr11-108168026-AT-A.
Other names: c.4923del, p.Asp1641fs (NM_001351834.2); short protein forms D1641fs.
Identifiers: ClinVar variation 3221513 (VCV003221513.1), dbSNP rs2546954223, ClinGen allele CA2825001896.
Genomic context (GRCh38, chr11:108,297,299, plus strand): 5'-TGTTGTCTTCATGCTAGTTTAAACTAATTTTTAAAAAATTATTTCTAGATAATCCGCAAG[AT>A]GGGATTATGGTGAAACTAGTTGTCAATTTGTTGCAGTTATCCAAGATGGCAATAAACCAC-3'

ClinVar aggregate classification (germline): Pathogenic (1 of 4 stars; one submission).

Conditions:
Hereditary cancer-predisposing syndrome. Also called: Tumor predisposition; Hereditary neoplastic syndrome; Hereditary Cancer Syndrome; Neoplastic Syndromes, Hereditary. Identifiers: Orphanet 140162, MedGen C0027672, MeSH D009386, MONDO:0015356.

Submission:

Ambry Genetics
Classification: Pathogenic for Hereditary cancer-predisposing syndrome. Last evaluated: 2024-03-12. Review status: criteria provided, single submitter. Criteria: Ambry Variant Classification Scheme 2023. Collection method: clinical testing. Allele origin: germline.
Comment: The c.4923delT pathogenic mutation, located in coding exon 32 of the ATM gene, results from a deletion of one nucleotide at nucleotide position 4923, causing a translational frameshift with a predicted alternate stop codon (p.D1641Efs*5). This variant is considered to be rare based on population cohorts in the Genome Aggregation Database (gnomAD). This alteration is expected to result in loss of function by premature protein truncation or nonsense-mediated mRNA decay. As such, this alteration is interpreted as a disease-causing mutation.